The following is an entry in ClinVar:

ClinVar aggregate classification (germline): Uncertain significance (1 of 4 stars; one submission).

Submission:

Women's Health and Genetics/Laboratory Corporation of America, LabCorp
Classification: Uncertain significance. Last evaluated: 2023-04-25. Review status: criteria provided, single submitter. Criteria: LabCorp Variant Classification Summary - May 2015. Collection method: clinical testing. Allele origin: germline.
Comment: Variant summary: WDFY3 c.4744G>T (p.Asp1582Tyr) results in a non-conservative amino acid change in the encoded protein sequence. Four of five in-silico tools predict a damaging effect of the variant on protein function. The variant was absent in 247402 control chromosomes. The available data on variant occurrences in the general population are insufficient to allow any conclusion about variant significance. To our knowledge, no occurrence of c.4744G>T in individuals affected with Microcephaly 18, Primary, Autosomal Dominant and no experimental evidence demonstrating its impact on protein function have been reported. No clinical diagnostic laboratories have submitted clinical-significance assessments for this variant to ClinVar after 2014. Based on the evidence outlined above, the variant was classified as uncertain significance.

NM_014991.6(WDFY3):c.4744G>T (p.Asp1582Tyr)

Gene: WDFY3 (WD repeat and FYVE domain containing 3; minus strand). Cytogenetic location: 4q21.23.
Variant type: single nucleotide variant.
Coding change: c.4744G>T on transcript NM_014991.6 (MANE Select); coding-DNA position 4744, G replaced by T.
Protein change: p.Asp1582Tyr; replaces aspartic acid 1582 with tyrosine.
Molecular consequence: missense variant.
Genome position (GRCh38, 1-based): chr4:84,774,830, C>A on the plus strand (G>T on the coding strand, the complement: WDFY3 is on the minus strand). VCF-style: chr4-84774830-C-A. GRCh37 (hg19) VCF-style: chr4-85695983-C-A.
Other names: c.4744G>T (NM_014991.4); short protein forms D1582Y.
Identifiers: ClinVar variation 2504056 (VCV002504056.1), dbSNP rs2533128526, ClinGen allele CA357546862.